The following is an entry in ClinVar:

ClinVar aggregate classification (germline): Likely benign. Review status: criteria provided, multiple submitters, no conflicts (2 of 4 stars). 2 submissions from 2 submitters: Likely benign (2). Last evaluated 2026-01-16.

Conditions:
Malignant hyperthermia, susceptibility to, 1 (MHS1). Also called: Anesthesia related hyperthermia; Malignant hyperpyrexia; Fulminating hyperpyrexia; Pharmacogenic myopathy; RYR1-Related Malignant Hyperthermia Susceptibility; Malignant hyperthermia suceptibility 1. Identifiers: Orphanet 423, MedGen C2930980, MONDO:0007783, OMIM 145600.
RYR1-related disorder. Also called: RYR1-related disorders; RYR1-related condition. Identifiers: MedGen CN239331.

Allele frequency attached by ClinVar (database versions not stated): gnomAD exomes below 0.00001.
gnomAD v4.1: 2 of 1,606,852 alleles (0.00012%); highest among the groups gnomAD compares: Non-Finnish European, 0.00017%; no homozygotes.

Submissions (2):

Labcorp Genetics (formerly Invitae), Labcorp
Classification: Likely benign for RYR1-related disorder. Last evaluated: 2026-01-16. Review status: criteria provided, single submitter. Criteria: Invitae Variant Classification Sherloc (09022015). Collection method: clinical testing. Allele origin: germline.

All of Us Research Program, National Institutes of Health
Classification: Likely benign for Malignant hyperthermia, susceptibility to, 1. Last evaluated: 2023-11-20. Review status: criteria provided, single submitter. Criteria: ACMG Guidelines, 2015. Collection method: clinical testing. Allele origin: germline. Inheritance: Autosomal dominant inheritance. Observed: 1 variant allele, 1 heterozygote.
Comment: This study involves interpretation of variants in research participants for the purpose of population health screening. Participant phenotype was not available at the time of variant classification. Additional details can be found in publication PMID: 35346344, PMCID: PMC8962531

NM_000540.3(RYR1):c.10185G>T (p.Arg3395=)

Gene: RYR1 (ryanodine receptor 1; plus strand). Cytogenetic location: 19q13.2.
Variant type: single nucleotide variant.
Coding change: c.10185G>T on transcript NM_000540.3 (MANE Select); coding-DNA position 10185, G replaced by T.
Protein change: p.Arg3395=; no amino-acid change (arginine 3395 retained).
Molecular consequence: synonymous variant.
Genome position (GRCh38, 1-based): chr19:38,519,380, G>T. VCF-style: chr19-38519380-G-T. GRCh37 (hg19) VCF-style: chr19-39010020-G-T.
Other names: c.10185G>T, p.Arg3395= (NM_001042723.2).
Identifiers: ClinVar variation 2725411 (VCV002725411.4), dbSNP rs2514444026, ClinGen allele CA507354608.